The following is an entry in ClinVar:

ClinVar aggregate classification (germline): Likely benign. Review status: criteria provided, multiple submitters, no conflicts (2 of 4 stars). 2 submissions from 2 submitters: Likely benign (2). Last evaluated 2025-07-22.

Conditions:
MYH7B-related disorder. Also called: MYH7B-related condition.

gnomAD v4.1: 157 of 1,612,742 alleles (0.0097%); highest among the groups gnomAD compares: African/African-American, 0.085%; 1 homozygote.

Submissions (2):

Labcorp Genetics (formerly Invitae), Labcorp
Classification: Likely benign. Last evaluated: 2025-07-22. Review status: criteria provided, single submitter. Criteria: Invitae Variant Classification Sherloc (09022015). Collection method: clinical testing. Allele origin: germline.

PreventionGenetics, part of Exact Sciences
Classification: Likely benign for MYH7B-related condition. Last evaluated: 2024-12-10. Review status: criteria provided, single submitter. Criteria: ACMG Guidelines, 2015. Collection method: clinical testing. Allele origin: germline.
Comment: This variant is classified as likely benign based on ACMG/AMP sequence variant interpretation guidelines (Richards et al. 2015 PMID: 25741868, with internal and published modifications).

NM_020884.7(MYH7B):c.1065C>T (p.Ile355=)

Gene: MYH7B (myosin heavy chain 7B; plus strand). Cytogenetic location: 20q11.22.
Variant type: single nucleotide variant.
Coding change: c.1065C>T on transcript NM_020884.7 (MANE Select); coding-DNA position 1065, C replaced by T.
Protein change: p.Ile355=; no amino-acid change (isoleucine 355 retained).
Molecular consequence: synonymous variant.
Genome position (GRCh38, 1-based): chr20:34,987,205, C>T. VCF-style: chr20-34987205-C-T. GRCh37 (hg19) VCF-style: chr20-33575008-C-T.
Other names: c.1191C>T (NM_020884.4).
Identifiers: ClinVar variation 4811240 (VCV004811240.2).